The following is an entry in ClinVar:

ClinVar aggregate classification (germline): Pathogenic. Review status: criteria provided, multiple submitters, no conflicts (2 of 4 stars). 2 submissions from 2 submitters: Pathogenic (2). Last evaluated 2026-03-10.

Conditions:
Osteoporosis with pseudoglioma (OPPG). Also called: osteoporosis-pseudoglioma syndrome. Identifiers: Orphanet 2788, MedGen C0432252, MONDO:0009820, OMIM 259770.
LRP5-related disorder. Also called: LRP5-related condition.

Submissions (2):

Clinical Biomedical Laboratory, Shriners Hospital For Children - Canada
Classification: Pathogenic for Osteoporosis with pseudoglioma. Last evaluated: 2026-03-10. Review status: criteria provided, single submitter. Criteria: ACMG Guidelines, 2015. Collection method: clinical testing. Allele origin: germline. Affected: yes.
Comment: This variant introduces a premature stop codon in exon 16. This is expected to lead to degradation of the affected transcript. As the variant is homozygous, it is expected that the variant will lead to absence of LRP5. In the Genome Aggregation Database (gnomAD v2.1.1) this variant is not present. Based on the ACMG variant interpretation guidelines, the available evidence supports classification of this variant as pathogenic.

3billion
Classification: Pathogenic for LRP5-related disorder. Last evaluated: 2025-06-09. Review status: criteria provided, single submitter. Criteria: ACMG Guidelines, 2015. Collection method: clinical testing. Allele origin: germline. Affected: yes.
Comment: The variant is not observed in the gnomAD v4.1.0 dataset. Predicted Consequence/Location: Stop-gained (nonsense): predicted to result in a loss or disruption of normal protein function through nonsense-mediated decay (NMD) or protein truncation. Multiple pathogenic variants are reported downstream of the variant. The variant has been reported to be associated with LRP5-related disorder (PMID: 35393770). Therefore, this variant is classified as Pathogenic according to the recommendation of ACMG/AMP guideline.

Literature cited by the submitters: PubMed 35393770 (cited by 3billion).

NM_002335.4(LRP5):c.3517C>T (p.Gln1173Ter)

Gene: LRP5 (LDL receptor related protein 5; plus strand). Cytogenetic location: 11q13.2.
Variant type: single nucleotide variant.
Coding change: c.3517C>T on transcript NM_002335.4 (MANE Select); coding-DNA position 3517, C replaced by T.
Protein change: p.Gln1173Ter; replaces glutamine 1173 with a stop codon.
Molecular consequence: nonsense.
Genome position (GRCh38, 1-based): chr11:68,426,067, C>T. VCF-style: chr11-68426067-C-T. GRCh37 (hg19) VCF-style: chr11-68193535-C-T.
Other names: c.1774C>T, p.Gln592Ter (NM_001291902.2); short protein forms Q1173*, Q592*.
Identifiers: ClinVar variation 4819373 (VCV004819373.2).